The following is an entry in ClinVar:

NM_001754.5(RUNX1):c.380G>T (p.Gly127Val)

Genes: RUNX1 (RUNX family transcription factor 1; minus strand), RUNX1-AS1 (RUNX1 antisense RNA 1; plus strand). Cytogenetic location: 21q22.12.
Variant type: single nucleotide variant.
Coding change: c.380G>T on transcript NM_001754.5 (MANE Select); coding-DNA position 380, G replaced by T.
Protein change: p.Gly127Val; replaces glycine 127 with valine.
Molecular consequence: missense variant.
Genome position (GRCh38, 1-based): chr21:34,880,685, C>A on the plus strand (G>T on the coding strand, the complement: RUNX1 is on the minus strand). VCF-style: chr21-34880685-C-A. GRCh37 (hg19) VCF-style: chr21-36252982-C-A.
Other names: NM_001754.5(RUNX1):c.380G>T; p.Gly127Val; c.299G>T, p.Gly100Val (NM_001001890.3, NM_001122607.2); c.380G>T (NM_001754.4); short protein forms G100V, G127V.
Identifiers: ClinVar variation 1392067 (VCV001392067.8), dbSNP rs2146363397, ClinGen allele CA410202733.

ClinVar aggregate classification (germline): Uncertain significance. Review status: reviewed by expert panel (3 of 4 stars). 3 submissions from 3 submitters: Uncertain significance (1). 2 of the submissions do not count toward it. Last evaluated 2024-09-25.

Conditions:
Hereditary thrombocytopenia and hematologic cancer predisposition syndrome. Identifiers: Orphanet 71290, MedGen CN281654, MONDO:0011071.
Inborn genetic diseases. Identifiers: MedGen C0950123, MeSH D030342.
Hereditary thrombocytopenia and hematological cancer predisposition syndrome associated with RUNX1. Also called: PLATELET DISORDER, ASPIRIN-LIKE; Familial Platelet Disorder with Propensity to Acute Myelogenous Leukemia; Familial thrombocytopenia with propensity to acute myelogenous leukemia; RUNX1 Familial Platelet Disorder with Associated Myeloid Malignancies. Identifiers: Orphanet 71290, MedGen C1832388, MeSH C563324, MONDO:0100083, OMIM 601399.

Submissions (3):

ClinGen Myeloid Malignancy Variant Curation Expert Panel
Classification: Uncertain significance for Hereditary thrombocytopenia and hematologic cancer predisposition syndrome. Last evaluated: 2024-09-25. Review status: reviewed by expert panel. Criteria: ClinGen MyeloMalig ACMG Specifications v2. Collection method: curation. Allele origin: germline. Inheritance: Autosomal dominant inheritance.
Comment: NM_001754.5(RUNX1):c.380G>T (p.Gly127Val) is a missense variant. This variant is completely absent from all population databases with at least 20x coverage for RUNX1 (coverage >= 20) (PM2_supporting). This missense variant has a REVEL score ≥ 0.88 (0.97) (PP3). This variant affects an amino acid residue within the RHD domain [amino acids 89-204] that is defined as a critical functional domain by the ClinGen MM-VCEP (PM1_supporting). In summary, the clinical significance of this variant is uncertain. ACMG/AMP criteria applied, as specified by the Myeloid Malignancy Variant Curation Expert Panel for RUNX1: PM2_supporting, PP3, PM1_supporting.

Ambry Genetics
Classification: Uncertain significance for Inborn genetic diseases. Last evaluated: 2026-08-04. Review status: criteria provided, single submitter. Criteria: Ambry Variant Classification Scheme 2023. Collection method: clinical testing. Allele origin: germline. Not counted in ClinVar's aggregate classification.
Comment: The p.G127V variant (also known as c.380G>T), located in coding exon 4 of the RUNX1 gene, results from a G to T substitution at nucleotide position 380. The glycine at codon 127 is replaced by valine, an amino acid with dissimilar properties. This amino acid position is highly conserved in available vertebrate species. In addition, this alteration is predicted to be deleterious by in silico analysis. Based on the available evidence, the clinical significance of this variant remains unclear.

Labcorp Genetics (formerly Invitae), Labcorp
Classification: Uncertain significance for Hereditary thrombocytopenia and hematological cancer predisposition syndrome associated with RUNX1. Last evaluated: 2021-11-08. Review status: criteria provided, single submitter. Criteria: Invitae Variant Classification Sherloc (09022015). Collection method: clinical testing. Allele origin: germline. Not counted in ClinVar's aggregate classification.
Comment: This sequence change replaces glycine, which is neutral and non-polar, with valine, which is neutral and non-polar, at codon 127 of the RUNX1 protein (p.Gly127Val). This variant is not present in population databases (gnomAD no frequency). This variant has not been reported in the literature in individuals affected with RUNX1-related conditions. Algorithms developed to predict the effect of missense changes on protein structure and function are either unavailable or do not agree on the potential impact of this missense change (SIFT: "Deleterious"; PolyPhen-2: "Probably Damaging"; Align-GVGD: "Class C0"). In summary, the available evidence is currently insufficient to determine the role of this variant in disease. Therefore, it has been classified as a Variant of Uncertain Significance.